The following is an entry in ClinVar:

NM_001330574.2(ZNF711):c.*1411G>A

Gene: ZNF711 (ZFX family zinc finger ZNF711; plus strand). Cytogenetic location: Xq21.1.
Variant type: single nucleotide variant.
Coding change: c.*1411G>A on transcript NM_001330574.2 (MANE Select); 1411 bases downstream of the stop codon, G replaced by A.
Molecular consequence: 3 prime UTR variant.
Genome position (GRCh38, 1-based): chrX:85,273,239, G>A. VCF-style: chrX-85273239-G-A. GRCh37 (hg19) VCF-style: chrX-84528245-G-A.
Other names: c.*1411G>A (NM_021998.5).
Identifiers: ClinVar variation 368758 (VCV000368758.6), dbSNP rs779890560, ClinGen allele CA10654406.

ClinVar aggregate classification (germline): Benign (1 of 4 stars; one submission).

Conditions:
Intellectual developmental disorder, X-linked 97. Also called: Intellectual disability, X-linked 97. Identifiers: Orphanet 777, MedGen C2749020, MONDO:0010430, OMIM 300803.

Allele frequency attached by ClinVar (database versions not stated): 1000 Genomes Project 0.00079; 1000 Genomes Project 30x 0.00146; gnomAD 0.00286 and 0.00296; TOPMed 0.00300.

Submission:

Illumina Laboratory Services, Illumina
Classification: Benign for Intellectual developmental disorder, X-linked 97. Last evaluated: 2018-01-13. Review status: criteria provided, single submitter. Criteria: ICSL Variant Classification Criteria 13 December 2019. Collection method: clinical testing. Allele origin: germline.
Comment: This variant was observed in the ICSL laboratory as part of a predisposition screen in an ostensibly healthy population. It had not been previously curated by ICSL or reported in the Human Gene Mutation Database (HGMD: prior to June 1st, 2018), and was therefore a candidate for classification through an automated scoring system. Utilizing variant allele frequency, disease prevalence and penetrance estimates, and inheritance mode, an automated score was calculated to assess if this variant is too frequent to cause the disease. Based on the score and internal cut-off values, a variant classified as benign is not then subjected to further curation. The score for this variant resulted in a classification of benign for this disease.